The following is an entry in ClinVar:

ClinVar aggregate classification (germline): Uncertain significance (1 of 4 stars; one submission).

Conditions:
Spondyloepimetaphyseal dysplasia, PAPSS2 type. Also called: SEMD, PAKISTANI TYPE; BRACHYOLMIA TYPE 4 WITH MILD EPIPHYSEAL AND METAPHYSEAL CHANGES; SPONDYLODYSPLASIA AND PREMATURE PUBARCHE. Identifiers: Orphanet 93282, MedGen C2748516, MONDO:0019666, OMIM 612847.

Allele frequency attached by ClinVar (database versions not stated): gnomAD 0.00002; TOPMed 0.00002.
gnomAD v4.1: 12 of 1,612,084 alleles (0.00074%); highest among the groups gnomAD compares: Admixed American, 0.0017%; no homozygotes.

Submission:

Labcorp Genetics (formerly Invitae), Labcorp
Classification: Uncertain significance for Spondyloepimetaphyseal dysplasia, PAPSS2 type. Last evaluated: 2020-03-23. Review status: criteria provided, single submitter. Criteria: Invitae Variant Classification Sherloc (09022015). Collection method: clinical testing. Allele origin: germline.
Comment: In summary, the available evidence is currently insufficient to determine the role of this variant in disease. Therefore, it has been classified as a Variant of Uncertain Significance. Nucleotide substitutions within the consensus splice site are a relatively common cause of aberrant splicing (PMID: 17576681, 9536098). Algorithms developed to predict the effect of sequence changes on RNA splicing suggest that this variant is not likely to affect RNA splicing, but this prediction has not been confirmed by published transcriptional studies. This variant has not been reported in the literature in individuals with PAPSS2-related conditions. This variant is present in population databases (rs761222153, ExAC 0.004%). This sequence change falls in intron 1 of the PAPSS2 gene. It does not directly change the encoded amino acid sequence of the PAPSS2 protein, but it affects a nucleotide within the consensus splice site of the intron.

Literature cited by the submitters: PubMed 17576681; PubMed 9536098.

NM_001015880.2(PAPSS2):c.27+6C>T

Gene: PAPSS2 (3'-phosphoadenosine 5'-phosphosulfate synthase 2; plus strand). Cytogenetic location: 10q23.2.
Variant type: single nucleotide variant.
Coding change: c.27+6C>T on transcript NM_001015880.2 (MANE Select); 6 bases into the intron after coding-DNA position 27, C replaced by T.
Molecular consequence: intron variant.
Genome position (GRCh38, 1-based): chr10:87,660,014, C>T. VCF-style: chr10-87660014-C-T. GRCh37 (hg19) VCF-style: chr10-89419771-C-T.
Other names: c.27+6C>T (NM_004670.4).
Identifiers: ClinVar variation 1015691 (VCV001015691.8), dbSNP rs761222153, ClinGen allele CA5589265.